The following is an entry in ClinVar:

NM_020365.5(EIF2B3):c.1246G>C (p.Glu416Gln)

Gene: EIF2B3 (eukaryotic translation initiation factor 2B subunit gamma; minus strand). Cytogenetic location: 1p34.1.
Variant type: single nucleotide variant.
Coding change: c.1246G>C on transcript NM_020365.5 (MANE Select); coding-DNA position 1246, G replaced by C.
Protein change: p.Glu416Gln; replaces glutamic acid 416 with glutamine.
Molecular consequence: missense variant. On other transcripts: intron variant (1).
Genome position (GRCh38, 1-based): chr1:44,857,764, C>G on the plus strand (G>C on the coding strand, the complement: EIF2B3 is on the minus strand). VCF-style: chr1-44857764-C-G. GRCh37 (hg19) VCF-style: chr1-45323436-C-G.
Other names: c.1203-6761G>C (NM_001261418.2); short protein forms E416Q.
Identifiers: ClinVar variation 2175052 (VCV002175052.2), dbSNP rs529847913, ClinGen allele CA823793.

ClinVar aggregate classification (germline): Uncertain significance (1 of 4 stars; one submission).

Allele frequency attached by ClinVar (database versions not stated): ExAC 0.00001; 1000 Genomes Project 0.00020; 1000 Genomes Project 30x 0.00031.
gnomAD v4.1: 2 of 1,614,134 alleles (0.00012%); highest among the groups gnomAD compares: Admixed American, 0.0017%; no homozygotes.

Submission:

Labcorp Genetics (formerly Invitae), Labcorp
Classification: Uncertain significance. Last evaluated: 2022-08-09. Review status: criteria provided, single submitter. Criteria: Invitae Variant Classification Sherloc (09022015). Collection method: clinical testing. Allele origin: germline.
Comment: In summary, the available evidence is currently insufficient to determine the role of this variant in disease. Therefore, it has been classified as a Variant of Uncertain Significance. Algorithms developed to predict the effect of missense changes on protein structure and function are either unavailable or do not agree on the potential impact of this missense change (SIFT: "Tolerated"; PolyPhen-2: "Possibly Damaging"; Align-GVGD: "Class C0"). This variant has not been reported in the literature in individuals affected with EIF2B3-related conditions. This variant is present in population databases (rs529847913, gnomAD 0.007%). This sequence change replaces glutamic acid, which is acidic and polar, with glutamine, which is neutral and polar, at codon 416 of the EIF2B3 protein (p.Glu416Gln).